The following is an entry in ClinVar:

ClinVar aggregate classification (germline): Uncertain significance (1 of 4 stars; one submission).

Conditions:
Inborn genetic diseases. Identifiers: MedGen C0950123, MeSH D030342.

Submission:

Ambry Genetics
Classification: Uncertain significance for Inborn genetic diseases. Last evaluated: 2026-07-06. Review status: criteria provided, single submitter. Criteria: Ambry Variant Classification Scheme 2023. Collection method: clinical testing. Allele origin: germline.
Comment: The p.Y147F variant (also known as c.440A>T), located in coding exon 1 of the CEBPA gene, results from an A to T substitution at nucleotide position 440. The tyrosine at codon 147 is replaced by phenylalanine, an amino acid with highly similar properties. This amino acid position is conserved. In addition, this alteration is predicted to be tolerated by in silico analysis. Based on the available evidence, the clinical significance of this variant remains unclear.

NM_004364.5(CEBPA):c.440A>T (p.Tyr147Phe)

Gene: CEBPA (CCAAT enhancer binding protein alpha; minus strand). Cytogenetic location: 19q13.11.
Variant type: single nucleotide variant.
Coding change: c.440A>T on transcript NM_004364.5 (MANE Select); coding-DNA position 440, A replaced by T.
Protein change: p.Tyr147Phe; replaces tyrosine 147 with phenylalanine.
Molecular consequence: missense variant.
Genome position (GRCh38, 1-based): chr19:33,301,975, T>A on the plus strand (A>T on the coding strand, the complement: CEBPA is on the minus strand). VCF-style: chr19-33301975-T-A. GRCh37 (hg19) VCF-style: chr19-33792881-T-A.
Other names: c.83A>T, p.Tyr28Phe (NM_001285829.2); c.545A>T, p.Tyr182Phe (NM_001287424.2); c.398A>T, p.Tyr133Phe (NM_001287435.2); short protein forms Y28F, Y182F, Y147F, Y133F.
Identifiers: ClinVar variation 5034282 (VCV005034282.1).
Genomic context (GRCh38, chr19:33,301,975, plus strand): 5'-TCCTCGCGGGGCTCCTGCTTGATCACCAGCGGCCGCAGCGCCGGCGCCCCGACGCGCTCG[T>A]ACAGGGGCTCCAGCCTGCCGTCCAGGTAGCCGGCGGCCGCGCAGCCGTAGCCGGGCGGGG-3'
Protein context (NP_004355.2, residues 137-157): GYLDGRLEPL[Tyr147Phe]ERVGAPALRP